The following is an entry in ClinVar:

ClinVar aggregate classification (germline): Conflicting classifications of pathogenicity. Review status: criteria provided, conflicting classifications (1 of 4 stars). 3 submissions from 3 submitters: Uncertain significance (2); Likely benign (1). Last evaluated 2025-08-22.

Conditions:
Inborn genetic diseases. Identifiers: MedGen C0950123, MeSH D030342.

Allele frequency attached by ClinVar (database versions not stated): TOPMed below 0.00001; gnomAD 0.00001; ExAC 0.00003.
gnomAD v4.1: 30 of 1,614,100 alleles (0.0019%); highest among the groups gnomAD compares: South Asian, 0.0044%; no homozygotes.

Submissions (3):

Ambry Genetics
Classification: Likely benign for Inborn genetic diseases. Last evaluated: 2025-08-22. Review status: criteria provided, single submitter. Criteria: Ambry Variant Classification Scheme 2023. Collection method: clinical testing. Allele origin: germline.

Labcorp Genetics (formerly Invitae), Labcorp
Classification: Uncertain significance. Last evaluated: 2022-11-26. Review status: criteria provided, single submitter. Criteria: Invitae Variant Classification Sherloc (09022015). Collection method: clinical testing. Allele origin: germline.
Comment: In summary, the available evidence is currently insufficient to determine the role of this variant in disease. Therefore, it has been classified as a Variant of Uncertain Significance. Advanced modeling of protein sequence and biophysical properties (such as structural, functional, and spatial information, amino acid conservation, physicochemical variation, residue mobility, and thermodynamic stability) performed at Invitae indicates that this missense variant is not expected to disrupt CUL7 protein function. This variant has not been reported in the literature in individuals affected with CUL7-related conditions. This variant is present in population databases (rs770173163, gnomAD 0.009%). This sequence change replaces arginine, which is basic and polar, with histidine, which is basic and polar, at codon 881 of the CUL7 protein (p.Arg881His).

GeneDx
Classification: Uncertain significance. Last evaluated: 2022-06-17. Review status: criteria provided, single submitter. Criteria: GeneDx Variant Classification Process June 2021. Collection method: clinical testing. Allele origin: germline. Affected: yes.
Comment: In silico analysis supports that this missense variant does not alter protein structure/function; Has not been previously published as pathogenic or benign to our knowledge

NM_014780.5(CUL7):c.2642G>A (p.Arg881His)

Gene: CUL7 (cullin 7; minus strand). Cytogenetic location: 6p21.1.
Variant type: single nucleotide variant.
Coding change: c.2642G>A on transcript NM_014780.5 (MANE Select); coding-DNA position 2642, G replaced by A.
Protein change: p.Arg881His; replaces arginine 881 with histidine.
Molecular consequence: missense variant.
Genome position (GRCh38, 1-based): chr6:43,046,254, C>T on the plus strand (G>A on the coding strand, the complement: CUL7 is on the minus strand). VCF-style: chr6-43046254-C-T. GRCh37 (hg19) VCF-style: chr6-43013992-C-T.
Other names: c.2738G>A, p.Arg913His (NM_001168370.2, NM_001374872.1); c.2642G>A, p.Arg881His (NM_001374873.1, NM_001374874.1); short protein forms R881H, R913H.
Identifiers: ClinVar variation 1804266 (VCV001804266.3), dbSNP rs770173163, ClinGen allele CA3813777.